The following is an entry in ClinVar:

ClinVar aggregate classification (germline): Pathogenic (1 of 4 stars; one submission).

Submission:

Genetic Services Laboratory, University of Chicago
Classification: Pathogenic. Last evaluated: 2018-08-02. Review status: criteria provided, single submitter. Criteria: ACMG Guidelines, 2015. Collection method: clinical testing. Allele origin: germline. Affected: yes.
Comment: DNA sequence analysis of the CTC1 gene demonstrated a 4 base pair deletion, c.2847_2850del. This pathogenic sequence change results in an amino acid frameshift and creates a premature stop codon, p.Tyr949*. This pathogenic sequence change is predicted to result in an abnormal transcript, which may be degraded, or may lead to the production of a truncated CTC1 protein with potentially abnormal function. This sequence change is absent from the gnomAD population database.

NM_025099.6(CTC1):c.2847_2850del (p.Val948_Tyr949insTer)

Gene: CTC1 (CST telomere replication complex component 1; minus strand). Cytogenetic location: 17p13.1.
Variant type: Microsatellite.
Coding change: c.2847_2850del on transcript NM_025099.6 (MANE Select); coding-DNA positions 2847 to 2850, 4 bases deleted (TATA; older notation c.2847_2850delTATA).
Protein change: p.Val948_Tyr949insTer.
Molecular consequence: nonsense. On other transcripts: non-coding transcript variant (1).
Genome position (GRCh38, 1-based): chr17:8,230,377-8,230,380, TATA deleted on the plus strand (TATA on the coding strand, the reverse complement: CTC1 is on the minus strand); deleting any 4 consecutive bases within chr17:8,230,377-8,230,384 gives the same sequence; the c. name uses the placement nearest the transcript's 3' end. VCF-style (leftmost placement, unchanged base first): chr17-8230376-CTATA-C. GRCh37 (hg19) VCF-style: chr17-8133694-CTATA-C.
Identifiers: ClinVar variation 1338425 (VCV001338425.4), dbSNP rs2151503678, ClinGen allele CA2580614006.
Genomic context (GRCh38, chr17:8,230,376, plus strand): 5'-GGCTGAAGTGGACCCGGGCTCCTGGAAGTAGTCCTAGTGAGGGAGGCAAGTGTGGGTCTT[CTATA>C]TATACATCCAGGTGAGGGGGGAATTCACATTCAGCAGTCTCAAGAGCGACTGTTAGCTTC-3'